The following is an entry in ClinVar:

ClinVar aggregate classification (germline): Uncertain significance (1 of 4 stars; one submission).

Allele frequency attached by ClinVar (database versions not stated): gnomAD exomes below 0.00001; ExAC 0.00001.
gnomAD v4.1: 1 of 1,603,644 alleles (0.000062%); highest among the groups gnomAD compares: Non-Finnish European, 0.000085%; no homozygotes.

Submission:

Labcorp Genetics (formerly Invitae), Labcorp
Classification: Uncertain significance. Last evaluated: 2022-03-14. Review status: criteria provided, single submitter. Criteria: Invitae Variant Classification Sherloc (09022015). Collection method: clinical testing. Allele origin: germline.
Comment: Algorithms developed to predict the effect of sequence changes on RNA splicing suggest that this variant may create or strengthen a splice site. In summary, the available evidence is currently insufficient to determine the role of this variant in disease. Therefore, it has been classified as a Variant of Uncertain Significance. Algorithms developed to predict the effect of missense changes on protein structure and function are either unavailable or do not agree on the potential impact of this missense change (SIFT: "Deleterious"; PolyPhen-2: "Probably Damaging"; Align-GVGD: "Class C0"). This variant has not been reported in the literature in individuals affected with CAD-related conditions. This variant is present in population databases (rs754676166, gnomAD 0.001%). This sequence change replaces leucine, which is neutral and non-polar, with valine, which is neutral and non-polar, at codon 2218 of the CAD protein (p.Leu2218Val).

NM_004341.5(CAD):c.6652T>G (p.Leu2218Val)

Genes: CAD (carbamoyl-phosphate synthetase 2, aspartate transcarbamylase, and dihydroorotase; plus strand), LOC126806172 (CDK7 strongly-dependent group 2 enhancer GRCh37_chr2:27465505-27466704; plus strand). Cytogenetic location: 2p23.3.
Variant type: single nucleotide variant.
Coding change: c.6652T>G on transcript NM_004341.5 (MANE Select); coding-DNA position 6652, T replaced by G.
Protein change: p.Leu2218Val; replaces leucine 2218 with valine.
Molecular consequence: missense variant.
Genome position (GRCh38, 1-based): chr2:27,243,492, T>G. VCF-style: chr2-27243492-T-G. GRCh37 (hg19) VCF-style: chr2-27466360-T-G.
Other names: c.6463T>G, p.Leu2155Val (NM_001306079.2); short protein forms L2218V, L2155V.
Identifiers: ClinVar variation 1416402 (VCV001416402.6), dbSNP rs754676166, ClinGen allele CA1574293.